The following is an entry in ClinVar:

NM_003072.5(SMARCA4):c.597C>G (p.His199Gln)

Gene: SMARCA4 (SWI/SNF related BAF chromatin remodeling complex subunit ATPase 4; plus strand). Cytogenetic location: 19p13.2.
Variant type: single nucleotide variant.
Coding change: c.597C>G on transcript NM_003072.5 (MANE Select); coding-DNA position 597, C replaced by G.
Protein change: p.His199Gln; replaces histidine 199 with glutamine.
Molecular consequence: missense variant. On other transcripts: non-coding transcript variant (1).
Genome position (GRCh38, 1-based): chr19:10,986,430, C>G. VCF-style: chr19-10986430-C-G. GRCh37 (hg19) VCF-style: chr19-11097106-C-G.
Other names: c.597C>G, p.His199Gln (NM_001128844.3, NM_001128845.2, NM_001128846.2 and 6 more transcripts); short protein forms H199Q.
Identifiers: ClinVar variation 4802538 (VCV004802538.1).

ClinVar aggregate classification (germline): Uncertain significance (1 of 4 stars; one submission).

Conditions:
Rhabdoid tumor predisposition syndrome 2 (RTPS2). Identifiers: Orphanet 231108, Orphanet 69077, MedGen C2750074, MONDO:0013224, OMIM 613325.

Submission:

Labcorp Genetics (formerly Invitae), Labcorp
Classification: Uncertain significance for Rhabdoid tumor predisposition syndrome 2. Last evaluated: 2025-08-18. Review status: criteria provided, single submitter. Criteria: Invitae Variant Classification Sherloc (09022015). Collection method: clinical testing. Allele origin: germline.
Comment: This sequence change replaces histidine, which is basic and polar, with glutamine, which is neutral and polar, at codon 199 of the SMARCA4 protein (p.His199Gln). This variant is not present in population databases (gnomAD no frequency). This variant has not been reported in the literature in individuals affected with SMARCA4-related conditions. Invitae Evidence Modeling of protein sequence and biophysical properties (such as structural, functional, and spatial information, amino acid conservation, physicochemical variation, residue mobility, and thermodynamic stability) indicates that this missense variant is not expected to disrupt SMARCA4 protein function with a negative predictive value of 95%. In summary, the available evidence is currently insufficient to determine the role of this variant in disease. Therefore, it has been classified as a Variant of Uncertain Significance.